The following is an entry in ClinVar:

NM_005585.5(SMAD6):c.1273dup (p.Leu425fs)

Gene: SMAD6 (SMAD family member 6; plus strand). Cytogenetic location: 15q22.31.
Variant type: Duplication.
Coding change: c.1273dup on transcript NM_005585.5 (MANE Select); coding-DNA position 1273, one base duplicated (C; older notation c.1273dupC).
Protein change: p.Leu425fs; shifts the reading frame from leucine 425.
Molecular consequence: frameshift variant. On other transcripts: non-coding transcript variant (1).
Genome position (GRCh38, 1-based): chr15:66,781,317, C duplicated; the last of 3 consecutive C bases (chr15:66,781,315-66,781,317); duplicating any one gives the same sequence. VCF-style (leftmost placement, unchanged base first): chr15-66781314-G-GC. GRCh37 (hg19) VCF-style: chr15-67073652-G-GC.
Other names: short protein forms L425fs.
Identifiers: ClinVar variation 1359420 (VCV001359420.6), dbSNP rs2140682011, ClinGen allele CA2573151039.

ClinVar aggregate classification (germline): Uncertain significance (1 of 4 stars; one submission).

Conditions:
Aortic valve disease 2 (AOVD2). Identifiers: MedGen C3542024, MONDO:0013902, OMIM 614823.

Submission:

Labcorp Genetics (formerly Invitae), Labcorp
Classification: Uncertain significance for Aortic valve disease 2. Last evaluated: 2025-09-24. Review status: criteria provided, single submitter. Criteria: Invitae Variant Classification Sherloc (09022015). Collection method: clinical testing. Allele origin: germline.
Comment: This sequence change is expected to alter the c-terminus of the SMAD6 protein (p.Leu425Profs*140). While this is not anticipated to result in nonsense mediated decay, it is expected to disrupt the last 72 amino acid(s) of the SMAD6 protein and extend the protein by 67 additional amino acid residues. This variant is not present in population databases (gnomAD no frequency). This variant has not been reported in the literature in individuals affected with SMAD6-related conditions. ClinVar contains an entry for this variant (Variation ID: 1359420). Experimental studies and prediction algorithms are not available or were not evaluated, and the functional significance of this variant is currently unknown. In summary, the available evidence is currently insufficient to determine the role of this variant in disease. Therefore, it has been classified as a Variant of Uncertain Significance.